The following is an entry in ClinVar:

ClinVar aggregate classification (germline): Uncertain significance (1 of 4 stars; one submission).

Conditions:
Joubert syndrome. Also called: CEREBELLOPARENCHYMAL DISORDER IV; JOUBERT-BOLTSHAUSER SYNDROME; Familial aplasia of the vermis. Identifiers: Orphanet 475, MedGen C5979921, MONDO:0018772.
Meckel-Gruber syndrome. Also called: DYSENCEPHALIA SPLANCHNOCYSTICA; GRUBER SYNDROME; Dysencephalia splachnocystica. Identifiers: Orphanet 564, MedGen C0265215, MONDO:0018921.

Allele frequency attached by ClinVar (database versions not stated): TOPMed 0.00001; gnomAD exomes 0.00002.
gnomAD v4.1: 24 of 1,614,146 alleles (0.0015%); highest among the groups gnomAD compares: East Asian, 0.04%; no homozygotes.

Submission:

Labcorp Genetics (formerly Invitae), Labcorp
Classification: Uncertain significance for Joubert syndrome; Meckel-Gruber syndrome. Last evaluated: 2025-10-13. Review status: criteria provided, single submitter. Criteria: Invitae Variant Classification Sherloc (09022015). Collection method: clinical testing. Allele origin: germline.
Comment: This sequence change replaces valine, which is neutral and non-polar, with methionine, which is neutral and non-polar, at codon 298 of the TCTN2 protein (p.Val298Met). This variant is not present in population databases (gnomAD no frequency). This variant has not been reported in the literature in individuals affected with TCTN2-related conditions. ClinVar contains an entry for this variant (Variation ID: 2200907). An algorithm developed to predict the effect of missense changes on protein structure and function outputs the following: PolyPhen-2: "Benign". The methionine amino acid residue is found in multiple mammalian species, which suggests that this missense change does not adversely affect protein function. In summary, the available evidence is currently insufficient to determine the role of this variant in disease. Therefore, it has been classified as a Variant of Uncertain Significance.

NM_024809.5(TCTN2):c.892G>A (p.Val298Met)

Gene: TCTN2 (tectonic family member 2; plus strand). Cytogenetic location: 12q24.31.
Variant type: single nucleotide variant.
Coding change: c.892G>A on transcript NM_024809.5 (MANE Select); coding-DNA position 892, G replaced by A.
Protein change: p.Val298Met; replaces valine 298 with methionine.
Molecular consequence: missense variant.
Genome position (GRCh38, 1-based): chr12:123,690,533, G>A. VCF-style: chr12-123690533-G-A. GRCh37 (hg19) VCF-style: chr12-124175080-G-A.
Other names: c.889G>A, p.Val297Met (NM_001143850.3); c.892G>A, p.Val298Met (NM_001410989.1); short protein forms V297M, V298M.
Identifiers: ClinVar variation 2200907 (VCV002200907.4), dbSNP rs886049055, ClinGen allele CA387139846.